The following is an entry in ClinVar:

ClinVar aggregate classification (germline): Likely benign. Review status: criteria provided, multiple submitters, no conflicts (2 of 4 stars). 3 submissions from 3 submitters: Likely benign (2). 1 of the submissions does not count toward it. Last evaluated 2024-12-01.

Conditions:
FDFT1-related disorder. Also called: FDFT1-related condition.

Allele frequency attached by ClinVar (database versions not stated): 1000 Genomes Project 0.00120; 1000 Genomes Project 30x 0.00156; TOPMed 0.00284.
gnomAD v4.1: 6,302 of 1,390,718 alleles (0.45%); highest among the groups gnomAD compares: Non-Finnish European, 0.51%; 22 homozygotes.

Submissions (3):

CeGaT Center for Human Genetics Tuebingen
Classification: Likely benign. Last evaluated: 2024-12-01. Review status: criteria provided, single submitter. Criteria: CeGaT Center For Human Genetics Tuebingen Variant Classification Criteria Version 2. Collection method: clinical testing. Allele origin: germline. Affected: yes. Observed: 6 variant alleles.
Comment: FDFT1: BS2

Blueprint Genetics
Classification: Likely benign. Last evaluated: 2024-11-27. Review status: criteria provided, single submitter. Criteria: ACMG Guidelines, 2015. Collection method: clinical testing. Allele origin: germline.

PreventionGenetics, part of Exact Sciences
Classification: Benign for FDFT1-related condition. Last evaluated: 2019-09-17. Review status: no assertion criteria provided. Collection method: clinical testing. Allele origin: germline. Not counted in ClinVar's aggregate classification.
Comment: This variant is classified as benign based on ACMG/AMP sequence variant interpretation guidelines (Richards et al. 2015 PMID: 25741868, with internal and published modifications).

NM_004462.5(FDFT1):c.100-179C>G

Genes: FDFT1 (farnesyl-diphosphate farnesyltransferase 1), LOC129999907 (ATAC-STARR-seq lymphoblastoid silent region 18943; plus strand). Cytogenetic location: 8p23.1.
Variant type: single nucleotide variant.
Coding change: c.100-179C>G on transcript NM_004462.5 (MANE Select); 179 bases into the intron before coding-DNA position 100, C replaced by G.
Molecular consequence: intron variant. On other transcripts: missense variant (1).
Genome position (GRCh38, 1-based): chr8:11,808,615, C>G. VCF-style: chr8-11808615-C-G. GRCh37 (hg19) VCF-style: chr8-11666124-C-G.
Other names: c.98C>G, p.Thr33Ser (NM_001287750.2); c.100-179C>G (NM_001287742.2, NM_001287743.2); c.-93-179C>G (NM_001287744.2, NM_001287745.2, NM_001287747.2 and 2 more transcripts); c.64+5705C>G (NM_001287756.2); short protein forms T33S.
Identifiers: ClinVar variation 2571307 (VCV002571307.28), dbSNP rs186055179, ClinGen allele CA172130960.
Genomic context (GRCh38, chr8:11,808,615, plus strand): 5'-TCTTCAAGCGCACCTTGGTGCTGAGTCCCGCCGCGGCGCCCAGGGGCCCGGGCGCAGGCA[C>G]CGCCCCGCGGGGCTGCTGCTTGCCTCCTGCCGCCTGGCCCTGCAAGGACTGGCCTCGGGG-3'